The following is an entry in ClinVar:

NM_001201543.2(FAM161A):c.1579G>T (p.Val527Leu)

Gene: FAM161A (FAM161 centrosomal protein A; minus strand). Cytogenetic location: 2p15.
Variant type: single nucleotide variant.
Coding change: c.1579G>T on transcript NM_001201543.2 (MANE Select); coding-DNA position 1579, G replaced by T.
Protein change: p.Val527Leu; replaces valine 527 with leucine.
Molecular consequence: missense variant. On other transcripts: non-coding transcript variant (1).
Genome position (GRCh38, 1-based): chr2:61,839,425, C>A on the plus strand (G>T on the coding strand, the complement: FAM161A is on the minus strand). VCF-style: chr2-61839425-C-A. GRCh37 (hg19) VCF-style: chr2-62066560-C-A.
Other names: c.1579G>T, p.Val527Leu (NM_032180.3); short protein forms V527L.
Identifiers: ClinVar variation 853937 (VCV000853937.8), dbSNP rs372121322, ClinGen allele CA1679116.
Genomic context (GRCh38, chr2:61,839,425, plus strand): 5'-TGCATACACTCATCTGGCAACCATGAGTCAGTCAGTACTGCGTCCTACTTACTTACCTTA[C>A]GGCTTGTTCTCGTCCTCTGGAAGATACCGTGGGCACGGGAGGGTTGCAGTTACAAGGCAC-3'
Protein context (NP_001188472.1, residues 517-537): TVSSRGREQA[Val527Leu]RRSLEEKKML

ClinVar aggregate classification (germline): Uncertain significance. Review status: criteria provided, single submitter (1 of 4 stars). 2 submissions from 2 submitters: Uncertain significance (1). 1 of the submissions does not count toward it. Last evaluated 2021-09-01.

Conditions:
Retinitis pigmentosa 28 (RP28). Identifiers: Orphanet 791, MedGen C1419614, MONDO:0011630, OMIM 606068.

Allele frequency attached by ClinVar (database versions not stated): TOPMed 0.00006; ESP Exome Variant Server 0.00008.
gnomAD v4.1: 11 of 1,614,046 alleles (0.00068%); highest among the groups gnomAD compares: African/African-American, 0.015%; no homozygotes.

Submissions (2):

Labcorp Genetics (formerly Invitae), Labcorp
Classification: Uncertain significance. Last evaluated: 2021-09-01. Review status: criteria provided, single submitter. Criteria: Invitae Variant Classification Sherloc (09022015). Collection method: clinical testing. Allele origin: germline.
Comment: This sequence change replaces valine with leucine at codon 527 of the FAM161A protein (p.Val527Leu). The valine residue is weakly conserved and there is a small physicochemical difference between valine and leucine. This variant is present in population databases (rs372121322, ExAC 0.01%). This variant has not been reported in the literature in individuals affected with FAM161A-related conditions. Algorithms developed to predict the effect of missense changes on protein structure and function (SIFT, PolyPhen-2, Align-GVGD) all suggest that this variant is likely to be tolerated. In summary, the available evidence is currently insufficient to determine the role of this variant in disease. Therefore, it has been classified as a Variant of Uncertain Significance.

Natera, Inc.
Classification: Uncertain significance for Retinitis pigmentosa type 28. Last evaluated: 2020-03-20. Review status: no assertion criteria provided. Collection method: clinical testing. Allele origin: germline. Not counted in ClinVar's aggregate classification.